The following is an entry in ClinVar:

NM_001111125.3(IQSEC2):c.1616C>T (p.Pro539Leu)

Gene: IQSEC2 (IQ motif and Sec7 domain ArfGEF 2; minus strand). Cytogenetic location: Xp11.22.
Variant type: single nucleotide variant.
Coding change: c.1616C>T on transcript NM_001111125.3 (MANE Select); coding-DNA position 1616, C replaced by T.
Protein change: p.Pro539Leu; replaces proline 539 with leucine.
Molecular consequence: missense variant.
Genome position (GRCh38, 1-based): chrX:53,250,960, G>A on the plus strand (C>T on the coding strand, the complement: IQSEC2 is on the minus strand). VCF-style: chrX-53250960-G-A. GRCh37 (hg19) VCF-style: chrX-53280142-G-A.
Other names: c.1616C>T, p.Pro539Leu (NM_001410736.1); c.1001C>T, p.Pro334Leu (NM_015075.2); short protein forms P334L, P539L.
Identifiers: ClinVar variation 1902950 (VCV001902950.5), dbSNP rs2147102337, ClinGen allele CA413165025.

ClinVar aggregate classification (germline): Uncertain significance (1 of 4 stars; one submission).

Conditions:
Intellectual developmental disorder, X-linked 1. Also called: MENTAL RETARDATION, X-LINKED 18; MENTAL RETARDATION, X-LINKED 78; Atkin Flaitz Patil Smith syndrome; Intellectual disability, X-linked 1. Identifiers: Orphanet 777, MedGen C2931498, MONDO:0010656, OMIM 309530.

Submission:

Labcorp Genetics (formerly Invitae), Labcorp
Classification: Uncertain significance for Intellectual developmental disorder, X-linked 1. Last evaluated: 2022-05-07. Review status: criteria provided, single submitter. Criteria: Invitae Variant Classification Sherloc (09022015). Collection method: clinical testing. Allele origin: germline.
Comment: Advanced modeling of protein sequence and biophysical properties (such as structural, functional, and spatial information, amino acid conservation, physicochemical variation, residue mobility, and thermodynamic stability) performed at Invitae indicates that this missense variant is not expected to disrupt IQSEC2 protein function. This variant has not been reported in the literature in individuals affected with IQSEC2-related conditions. This variant is not present in population databases (gnomAD no frequency). This sequence change replaces proline, which is neutral and non-polar, with leucine, which is neutral and non-polar, at codon 539 of the IQSEC2 protein (p.Pro539Leu). In summary, the available evidence is currently insufficient to determine the role of this variant in disease. Therefore, it has been classified as a Variant of Uncertain Significance.